The following is an entry in ClinVar:

NM_006348.5(COG5):c.1415dup (p.Gly474fs)

Gene: COG5 (component of oligomeric golgi complex 5; minus strand). Cytogenetic location: 7q22.3.
Variant type: Duplication.
Coding change: c.1415dup on transcript NM_006348.5 (MANE Select); coding-DNA position 1415, one base duplicated (C; older notation c.1415dupC).
Protein change: p.Gly474fs; shifts the reading frame from glycine 474.
Molecular consequence: frameshift variant. On other transcripts: intron variant (1).
Genome position (GRCh38, 1-based): chr7:107,283,631, G duplicated on the plus strand (C on the coding strand, the reverse complement: COG5 is on the minus strand); the first of 5 consecutive G bases (chr7:107,283,631-107,283,635); duplicating any one gives the same sequence. VCF-style (leftmost placement, unchanged base first): chr7-107283630-C-CG. GRCh37 (hg19) VCF-style: chr7-106924075-C-CG.
Other names: c.1415dup, p.Gly474fs (NM_001161520.2, NM_001379512.1, NM_001379513.1 and 2 more transcripts); c.845dup, p.Gly284fs (NM_001379515.1); c.701dup, p.Gly236fs (NM_001379516.1); c.1314-2236dup (NM_001379511.1); short protein forms G505fs, G284fs, G474fs, G236fs.
Identifiers: ClinVar variation 431150 (VCV000431150.7), dbSNP rs773281248, ClinGen allele CA4430920.
Genomic context (GRCh38, chr7:107,283,630, plus strand): 5'-CCTTGCTATAGTTTTAATAATACCATCAAGTTCATCAGAGGAAGGAGGATTACGACCACC[C>CG]GGGGGAAAAACCAAGTTGATAGGATCGAAGAGTCGAGATAAGGATTTTGATAGATAAGCA-3'

ClinVar aggregate classification (germline): Pathogenic. Review status: criteria provided, multiple submitters, no conflicts (2 of 4 stars). 2 submissions from 2 submitters: Pathogenic (2). Last evaluated 2023-07-03.

Conditions:
COG5-congenital disorder of glycosylation. Also called: COG5-CDG; CDG IIi; CONGENITAL DISORDER OF GLYCOSYLATION, TYPE IIi. Identifiers: Orphanet 263487, MedGen C3150876, MONDO:0013325, OMIM 613612.

Submissions (2):

Labcorp Genetics (formerly Invitae), Labcorp
Classification: Pathogenic for COG5-congenital disorder of glycosylation. Last evaluated: 2023-07-03. Review status: criteria provided, single submitter. Criteria: Invitae Variant Classification Sherloc (09022015). Collection method: clinical testing. Allele origin: germline.
Comment: This sequence change creates a premature translational stop signal (p.Gly505Trpfs*3) in the COG5 gene. It is expected to result in an absent or disrupted protein product. Loss-of-function variants in COG5 are known to be pathogenic (PMID: 23228021). This variant is present in population databases (rs773281248, gnomAD 0.02%). This premature translational stop signal has been observed in individual(s) with clinical features of COG5-congenital disorder of glycosylation (PMID: 28708303). ClinVar contains an entry for this variant (Variation ID: 431150). For these reasons, this variant has been classified as Pathogenic.

Groupe Hospitalier Pitie Salpetriere, Uf Genomique Du Developpement, Assistance Publique Hopitaux de Paris Sorbonne Université
Classification: Pathogenic for Congenital disorder of glycosylation, type IIi. Last evaluated: 2017-01-06. Review status: criteria provided, single submitter. Criteria: ACMG Guidelines, 2015. Collection method: clinical testing. Allele origin: maternal. Affected: yes. Observed: 1 variant allele.
Comment: Intellectual disability

Literature cited by the submitters: PubMed 23228021 (cited by Labcorp Genetics (formerly Invitae), Labcorp); PubMed 28708303 (cited by Labcorp Genetics (formerly Invitae), Labcorp and Groupe Hospitalier Pitie Salpetriere, Uf Genomique Du Developpement, Assistance Publique Hopitaux de Paris Sorbonne Université).